The following is an entry in ClinVar:

ClinVar aggregate classification (germline): Conflicting classifications of pathogenicity. Review status: criteria provided, conflicting classifications (1 of 4 stars). 2 submissions from 2 submitters: Likely pathogenic (1); Uncertain significance (1). Last evaluated 2022-10-08.

Conditions:
CACNA2D4-related disorder. Also called: CACNA2D4-related condition.

Submissions (2):

Labcorp Genetics (formerly Invitae), Labcorp
Classification: Uncertain significance. Last evaluated: 2022-10-08. Review status: criteria provided, single submitter. Criteria: Invitae Variant Classification Sherloc (09022015). Collection method: clinical testing. Allele origin: germline.
Comment: In summary, the available evidence is currently insufficient to determine the role of this variant in disease. Therefore, it has been classified as a Variant of Uncertain Significance. Algorithms developed to predict the effect of sequence changes on RNA splicing suggest that this variant may disrupt the consensus splice site. ClinVar contains an entry for this variant (Variation ID: 961030). This variant has not been reported in the literature in individuals affected with CACNA2D4-related conditions. This variant is not present in population databases (gnomAD no frequency). This sequence change affects an acceptor splice site in intron 20 of the CACNA2D4 gene. It is expected to disrupt RNA splicing. Variants that disrupt the donor or acceptor splice site typically lead to a loss of protein function (PMID: 16199547), however the current clinical and genetic evidence is not sufficient to establish whether loss-of-function variants in CACNA2D4 cause disease.

Blueprint Genetics
Classification: Likely pathogenic for CACNA2D4-related disorders. Last evaluated: 2019-08-12. Review status: criteria provided, single submitter. Criteria: ACMG Guidelines, 2015. Collection method: clinical testing. Allele origin: germline. Affected: yes. Observed: 1 variant allele.

Literature cited by the submitters: PubMed 16199547 (cited by Labcorp Genetics (formerly Invitae), Labcorp).

NM_172364.5(CACNA2D4):c.2009-1G>C

Gene: CACNA2D4 (calcium voltage-gated channel auxiliary subunit alpha2delta 4; minus strand). Cytogenetic location: 12p13.33.
Variant type: single nucleotide variant.
Coding change: c.2009-1G>C on transcript NM_172364.5 (MANE Select); the canonical splice acceptor site of the intron before coding-DNA position 2009, G replaced by C.
Molecular consequence: splice acceptor variant.
Genome position (GRCh38, 1-based): chr12:1,856,230, C>G on the plus strand (G>C on the coding strand, the complement: CACNA2D4 is on the minus strand). VCF-style: chr12-1856230-C-G. GRCh37 (hg19) VCF-style: chr12-1965396-C-G.
Identifiers: ClinVar variation 961030 (VCV000961030.9), dbSNP rs1865397544, ClinGen allele CA383349666.
Genomic context (GRCh38, chr12:1,856,230, plus strand): 5'-TACTCCTCACTTACCAGTCACCGGCCAGGGCCAGGTCTGGGTGAAGCAAGTCATGCAGGC[C>G]TGAAACCAGAGTCCACATTCAGGGTGATGCTCCCTCACTGCCATGAGGGTGTGTGTCTCA-3'